The following is an entry in ClinVar:

ClinVar aggregate classification (germline): Likely pathogenic (1 of 4 stars; one submission).

Conditions:
Mandibulofacial dysostosis-microcephaly syndrome (MFDGA). Also called: Mandibulofacial dysostosis, Guion-Almeida type; Growth and mental retardation, mandibulofacial dysostosis, microcephaly, and cleft palate. Identifiers: Orphanet 79113, MedGen C1864652, MONDO:0012516, OMIM 610536.

Submission:

Department of Molecular Genetics, Istishari Arab Hospital
Classification: Likely pathogenic for Mandibulofacial dysostosis-microcephaly syndrome. Last evaluated: 2025-09-15. Review status: criteria provided, single submitter. Criteria: ACMG Guidelines, 2015. Collection method: clinical testing. Allele origin: germline. Inheritance: Autosomal dominant inheritance. Affected: yes.
Comment: The EFTUD2 variant c.1306C>T, p.Gln436* causes termination of the reading frame at position 436. This stop-gained (nonsense) variant is predicted to result in a loss or disruption of normal protein function through nonsense-mediated decay (NMD) or protein truncation. Multiple pathogenic variants are reported downstream of the variant. To the best of our knowledge, this variant was not previously reported in literature and it is not observed in the gnomAD v4.1.0 dataset. It is classified as likely pathogenic based on ACMG/AMP/ClinGen SVI guidelines.

NM_004247.4(EFTUD2):c.1306C>T (p.Gln436Ter)

Gene: EFTUD2 (elongation factor Tu GTP binding domain containing 2; minus strand). Cytogenetic location: 17q21.31.
Variant type: single nucleotide variant.
Coding change: c.1306C>T on transcript NM_004247.4 (MANE Select); coding-DNA position 1306, C replaced by T.
Protein change: p.Gln436Ter; replaces glutamine 436 with a stop codon.
Molecular consequence: nonsense.
Genome position (GRCh38, 1-based): chr17:44,863,762, G>A on the plus strand (C>T on the coding strand, the complement: EFTUD2 is on the minus strand). VCF-style: chr17-44863762-G-A. GRCh37 (hg19) VCF-style: chr17-42941130-G-A.
Other names: p.Gln436*; c.1201C>T, p.Gln401Ter (NM_001142605.2); c.1306C>T, p.Gln436Ter (NM_001258353.2); c.1276C>T, p.Gln426Ter (NM_001258354.2); short protein forms Q401*, Q426*, Q436*.
Identifiers: ClinVar variation 4086078 (VCV004086078.1).